The following is an entry in ClinVar:

NM_015378.4(VPS13D):c.3405T>C (p.Asp1135=)

Gene: VPS13D (vacuolar protein sorting 13 homolog D; plus strand). Cytogenetic location: 1p36.22.
Variant type: single nucleotide variant.
Coding change: c.3405T>C on transcript NM_015378.4 (MANE Select); coding-DNA position 3405, T replaced by C.
Protein change: p.Asp1135=; no amino-acid change (aspartic acid 1135 retained).
Molecular consequence: synonymous variant.
Genome position (GRCh38, 1-based): chr1:12,276,993, T>C. VCF-style: chr1-12276993-T-C. GRCh37 (hg19) VCF-style: chr1-12337050-T-C.
Other names: p.Asp1135=; c.3405T>C, p.Asp1135= (NM_018156.4).
Identifiers: ClinVar variation 1569814 (VCV001569814.9), dbSNP rs776452169, ClinGen allele CA601973.

ClinVar aggregate classification (germline): Likely benign. Review status: criteria provided, multiple submitters, no conflicts (2 of 4 stars). 2 submissions from 2 submitters: Likely benign (2). Last evaluated 2025-08-26.

Allele frequency attached by ClinVar (database versions not stated): gnomAD 0.00004 and 0.00005; TOPMed 0.00006; gnomAD exomes 0.00008 and 0.00010; ExAC 0.00011.
gnomAD v4.1: 128 of 1,614,052 alleles (0.0079%); highest among the groups gnomAD compares: Middle Eastern, 0.049%; no homozygotes.

Submissions (2):

Labcorp Genetics (formerly Invitae), Labcorp
Classification: Likely benign. Last evaluated: 2025-08-26. Review status: criteria provided, single submitter. Criteria: Invitae Variant Classification Sherloc (09022015). Collection method: clinical testing. Allele origin: germline.

Mayo Clinic Laboratories, Mayo Clinic
Classification: Likely benign. Last evaluated: 2025-05-01. Review status: criteria provided, single submitter. Criteria: ACMG Guidelines, 2015. Collection method: clinical testing. Allele origin: germline. Observed: 2 variant alleles.
Comment: BP4, BP7